The following is an entry in ClinVar:

ClinVar aggregate classification (germline): Uncertain significance (1 of 4 stars; one submission).

Submission:

GeneDx
Classification: Uncertain significance. Last evaluated: 2025-05-16. Review status: criteria provided, single submitter. Criteria: GeneDx Variant Classification Process June 2021. Collection method: clinical testing. Allele origin: germline. Affected: yes.
Comment: Has not been previously published as pathogenic or benign to our knowledge; Not observed at significant frequency in large population cohorts (gnomAD); In silico analysis supports that this missense variant has a deleterious effect on protein structure/function

NM_003238.6(TGFB2):c.1151A>T (p.Asp384Val)

Gene: TGFB2 (transforming growth factor beta 2; plus strand). Cytogenetic location: 1q41.
Variant type: single nucleotide variant.
Coding change: c.1151A>T on transcript NM_003238.6 (MANE Select); coding-DNA position 1151, A replaced by T.
Protein change: p.Asp384Val; replaces aspartic acid 384 with valine.
Molecular consequence: missense variant. On other transcripts: non-coding transcript variant (2).
Genome position (GRCh38, 1-based): chr1:218,441,268, A>T. VCF-style: chr1-218441268-A-T. GRCh37 (hg19) VCF-style: chr1-218614610-A-T.
Other names: c.1235A>T, p.Asp412Val (NM_001135599.4); short protein forms D384V, D412V.
Identifiers: ClinVar variation 3371874 (VCV003371874.2).